The following is an entry in ClinVar:

NM_001379500.1(COL18A1):c.2032-10G>A

Gene: COL18A1 (collagen type XVIII alpha 1 chain; plus strand). Cytogenetic location: 21q22.3.
Variant type: single nucleotide variant.
Coding change: c.2032-10G>A on transcript NM_001379500.1 (MANE Select); 10 bases into the intron before coding-DNA position 2032, G replaced by A.
Molecular consequence: intron variant.
Genome position (GRCh38, 1-based): chr21:45,490,826, G>A. VCF-style: chr21-45490826-G-A. GRCh37 (hg19) VCF-style: chr21-46910740-G-A.
Other names: NM_130445.2:c.2032-10G>A; c.3277-10G>A (NM_130444.3); c.2572-10G>A (NM_030582.4, NM_030582.3).
Identifiers: ClinVar variation 340233 (VCV000340233.17), dbSNP rs368213286, ClinGen allele CA10066760.
Genomic context (GRCh38, chr21:45,490,826, plus strand): 5'-CCATCCCTCACGGGGGGCCAGGGGCTCCTGTTTCTGTTGGTGATGAACCATTTCCTTCCT[G>A]TCTCTCCAGGGGCCAAAGGGAGACAGAGGCAGCCGGGGAGAAAAGGTGAGTGTCCCTGGG-3'

ClinVar aggregate classification (germline): Benign/Likely benign. Review status: criteria provided, multiple submitters, no conflicts (2 of 4 stars). 4 submissions from 4 submitters: Benign (3); Likely benign (1). Last evaluated 2026-04-14.

Conditions:
Knobloch syndrome (KNO). Also called: RETINAL DETACHMENT AND OCCIPITAL ENCEPHALOCELE; Myopia retinal detachment encephalocele. Identifiers: Orphanet 1571, MedGen C1849409, MONDO:0800166.
COL18A1-related disorder. Also called: COL18A1-related condition; COL18A1-related disorders.

Allele frequency attached by ClinVar (database versions not stated): gnomAD 0.00004 and 0.00092; ESP Exome Variant Server 0.00011; TOPMed 0.00015; gnomAD exomes 0.00153 and 0.00404; 1000 Genomes Project 30x 0.00484; 1000 Genomes Project 0.00499; ExAC 0.01071.
gnomAD v4.1: 2,297 of 1,550,058 alleles (0.15%); highest among the groups gnomAD compares: South Asian, 2.5%; 58 homozygotes.

Submissions (4):

PreventionGenetics, part of Exact Sciences
Classification: Benign for COL18A1-related condition. Last evaluated: 2026-04-14. Review status: criteria provided, single submitter. Criteria: ACMG Guidelines, 2015. Collection method: clinical testing. Allele origin: germline.
Comment: This variant is classified as benign based on ACMG/AMP sequence variant interpretation guidelines (Richards et al. 2015 PMID: 25741868, with internal and published modifications).

Labcorp Genetics (formerly Invitae), Labcorp
Classification: Benign. Last evaluated: 2026-02-01. Review status: criteria provided, single submitter. Criteria: Invitae Variant Classification Sherloc (09022015). Collection method: clinical testing. Allele origin: germline.

Blueprint Genetics
Classification: Likely benign. Last evaluated: 2024-11-18. Review status: criteria provided, single submitter. Criteria: ACMG Guidelines, 2015. Collection method: clinical testing. Allele origin: germline.

Illumina Laboratory Services, Illumina
Classification: Benign for Knobloch syndrome 1. Last evaluated: 2018-01-13. Review status: criteria provided, single submitter. Criteria: ICSL Variant Classification Criteria 13 December 2019. Collection method: clinical testing. Allele origin: germline.
Comment: This variant was observed in the ICSL laboratory as part of a predisposition screen in an ostensibly healthy population. It had not been previously curated by ICSL or reported in the Human Gene Mutation Database (HGMD: prior to June 1st, 2018), and was therefore a candidate for classification through an automated scoring system. Utilizing variant allele frequency, disease prevalence and penetrance estimates, and inheritance mode, an automated score was calculated to assess if this variant is too frequent to cause the disease. Based on the score and internal cut-off values, a variant classified as benign is not then subjected to further curation. The score for this variant resulted in a classification of benign for this disease.